The following is an entry in ClinVar:

ClinVar aggregate classification (germline): Pathogenic/Likely pathogenic. Review status: criteria provided, multiple submitters, no conflicts (2 of 4 stars). 4 submissions from 4 submitters: Pathogenic (2); Likely pathogenic (1). 1 of the submissions does not count toward it. Last evaluated 2025-12-19.

Conditions:
Wilson disease (WND). Also called: Wilson's disease. Identifiers: Orphanet 905, MedGen C0019202, MONDO:0010200, OMIM 277900. Disease mechanism: loss of function.

Submissions (4):

Labcorp Genetics (formerly Invitae), Labcorp
Classification: Pathogenic for Wilson disease. Last evaluated: 2025-12-19. Review status: criteria provided, single submitter. Criteria: Invitae Variant Classification Sherloc (09022015). Collection method: clinical testing. Allele origin: germline.
Comment: This sequence change creates a premature translational stop signal (p.Gly943Serfs*22) in the ATP7B gene. It is expected to result in an absent or disrupted protein product. Loss-of-function variants in ATP7B are known to be pathogenic (PMID: 10441329, 16283883). This variant is not present in population databases (gnomAD no frequency). This variant has not been reported in the literature in individuals affected with ATP7B-related conditions. ClinVar contains an entry for this variant (Variation ID: 553244). For these reasons, this variant has been classified as Pathogenic.

Baylor Genetics
Classification: Likely pathogenic for Wilson disease. Last evaluated: 2023-05-22. Review status: criteria provided, single submitter. Criteria: ACMG Guidelines, 2015. Collection method: clinical testing. Allele origin: unknown.

Genome-Nilou Lab
Classification: Pathogenic for Wilson disease. Last evaluated: 2021-08-10. Review status: criteria provided, single submitter. Criteria: ACMG Guidelines, 2015. Collection method: clinical testing. Allele origin: germline. Affected: no.

Counsyl
Classification: Likely pathogenic for Wilson disease. Last evaluated: 2017-08-08. Review status: no assertion criteria provided. Collection method: clinical testing. Allele origin: unknown. Not counted in ClinVar's aggregate classification.

Literature cited by the submitters: PubMed 10441329 (cited by Labcorp Genetics (formerly Invitae), Labcorp); PubMed 16283883 (cited by Labcorp Genetics (formerly Invitae), Labcorp).

NM_000053.4(ATP7B):c.2826_2832del (p.Gly943fs)

Gene: ATP7B (ATPase copper transporting beta; minus strand). Cytogenetic location: 13q14.3.
Variant type: Deletion.
Coding change: c.2826_2832del on transcript NM_000053.4 (MANE Select); coding-DNA positions 2826 to 2832, 7 bases deleted (CGGTTTT; older notation c.2826_2832delCGGTTTT).
Protein change: p.Gly943fs; shifts the reading frame from glycine 943.
Molecular consequence: frameshift variant. On other transcripts: intron variant (1).
Genome position (GRCh38, 1-based): chr13:51,949,695-51,949,701, AAAACCG deleted on the plus strand (CGGTTTT on the coding strand, the reverse complement: ATP7B is on the minus strand); deleting any 7 consecutive bases within chr13:51,949,695-51,949,702 gives the same sequence; the c. name uses the placement nearest the transcript's 3' end. VCF-style (leftmost placement, unchanged base first): chr13-51949694-TAAAACCG-T. GRCh37 (hg19) VCF-style: chr13-52523830-TAAAACCG-T.
Other names: c.2826_2832del (NM_000053.3); c.2493_2499del, p.Gly832fs (NM_001243182.2); c.2592_2598del, p.Gly865fs (NM_001330578.2); c.2574_2580del, p.Gly859fs (NM_001330579.2); c.2244+306_2244+312del (NM_001005918.3); short protein forms G865fs, G859fs, G943fs, G832fs.
Identifiers: ClinVar variation 553244 (VCV000553244.12), dbSNP rs1555288385, ClinGen allele CA658823707.